The following is an entry in ClinVar:

ClinVar aggregate classification (germline): Conflicting classifications of pathogenicity. Review status: criteria provided, conflicting classifications (1 of 4 stars). 2 submissions from 2 submitters: Uncertain significance (1); Benign (1). Last evaluated 2025-09-25.

Conditions:
Hereditary cancer-predisposing syndrome. Also called: Hereditary neoplastic syndrome; Tumor predisposition; Neoplastic Syndromes, Hereditary; Hereditary Cancer Syndrome. Identifiers: Orphanet 140162, MedGen C0027672, MeSH D009386, MONDO:0015356.
Fanconi anemia complementation group O. Also called: RAD51C-Related Fanconi Anemia. Identifiers: Orphanet 84, MedGen C3150653, MONDO:0013248, OMIM 613390.

Allele frequency attached by ClinVar (database versions not stated): TOPMed below 0.00001.
gnomAD v4.1: 1 of 1,611,006 alleles (0.000062%); highest among the groups gnomAD compares: Non-Finnish European, 0.000085%; no homozygotes.

Submissions (2):

Ambry Genetics
Classification: Benign for Hereditary cancer-predisposing syndrome. Last evaluated: 2025-09-25. Review status: criteria provided, single submitter. Criteria: Ambry Variant Classification Scheme 2023. Collection method: clinical testing. Allele origin: germline.

Labcorp Genetics (formerly Invitae), Labcorp
Classification: Uncertain significance for Fanconi anemia complementation group O. Last evaluated: 2025-02-26. Review status: criteria provided, single submitter. Criteria: Invitae Variant Classification Sherloc (09022015). Collection method: clinical testing. Allele origin: germline.
Comment: This sequence change replaces isoleucine, which is neutral and non-polar, with valine, which is neutral and non-polar, at codon 281 of the RAD51C protein (p.Ile281Val). This variant is not present in population databases (gnomAD no frequency). This variant has not been reported in the literature in individuals affected with RAD51C-related conditions. ClinVar contains an entry for this variant (Variation ID: 962461). Invitae Evidence Modeling of protein sequence and biophysical properties (such as structural, functional, and spatial information, amino acid conservation, physicochemical variation, residue mobility, and thermodynamic stability) indicates that this missense variant is not expected to disrupt RAD51C protein function with a negative predictive value of 80%. In summary, the available evidence is currently insufficient to determine the role of this variant in disease. Therefore, it has been classified as a Variant of Uncertain Significance.

NM_058216.3(RAD51C):c.841A>G (p.Ile281Val)

Gene: RAD51C (RAD51 paralog C; plus strand). Cytogenetic location: 17q22.
Variant type: single nucleotide variant.
Coding change: c.841A>G on transcript NM_058216.3 (MANE Select); coding-DNA position 841, A replaced by G.
Protein change: p.Ile281Val; replaces isoleucine 281 with valine.
Molecular consequence: missense variant. On other transcripts: non-coding transcript variant (1).
Genome position (GRCh38, 1-based): chr17:58,720,749, A>G. VCF-style: chr17-58720749-A-G. GRCh37 (hg19) VCF-style: chr17-56798110-A-G.
Other names: short protein forms I281V.
Identifiers: ClinVar variation 962461 (VCV000962461.11), dbSNP rs1439877158, ClinGen allele CA400359331.
Genomic context (GRCh38, chr17:58,720,749, plus strand): 5'-TCTACTTGATAATTTTCAAAGAGACTCACCTAATTTTCTTACATTTTGTTTTTGTAGGTA[A>G]TTTTAACCAATCAGATGACAACAAAGATTGATAGAAATCAGGCCTTGCTTGTTCCTGCAT-3'
Protein context (NP_478123.1, residues 271-291): SLANNHRLAV[Ile281Val]LTNQMTTKID